The following is an entry in ClinVar:

NM_002769.5(PRSS1):c.683T>C (p.Val228Ala)

Genes: PRSS1 (serine protease 1; plus strand), TRB (T cell receptor beta locus; plus strand). Cytogenetic location: 7q34.
Variant type: single nucleotide variant.
Coding change: c.683T>C on transcript NM_002769.5 (MANE Select); coding-DNA position 683, T replaced by C.
Protein change: p.Val228Ala; replaces valine 228 with alanine.
Molecular consequence: missense variant. On other transcripts: non-coding transcript variant (5).
Genome position (GRCh38, 1-based): chr7:142,752,959, T>C. VCF-style: chr7-142752959-T-C. GRCh37 (hg19) VCF-style: chr7-142460810-T-C.
Other names: short protein forms V228A.
Identifiers: ClinVar variation 4843111 (VCV004843111.1).

ClinVar aggregate classification (germline): Uncertain significance (1 of 4 stars; one submission).

Conditions:
Hereditary pancreatitis (PCTT). Also called: Hereditary chronic pancreatitis; PRSS1-Related Hereditary Pancreatitis. Identifiers: Orphanet 676, MedGen C0238339, MONDO:0008185, OMIM 167800.

gnomAD v4.1: 2 of 1,613,304 alleles (0.00012%); highest among the groups gnomAD compares: Non-Finnish European, 0.00017%; no homozygotes.

Submission:

Ambry Genetics
Classification: Uncertain significance for Hereditary pancreatitis. Last evaluated: 2026-01-23. Review status: criteria provided, single submitter. Criteria: Ambry Variant Classification Scheme 2023. Collection method: clinical testing. Allele origin: germline.
Comment: The p.V228A variant (also known as c.683T>C), located in coding exon 5 of the PRSS1 gene, results from a T to C substitution at nucleotide position 683. The valine at codon 228 is replaced by alanine, an amino acid with similar properties. This amino acid position is conserved. In addition, this alteration is predicted to be deleterious by in silico analysis. Based on the available evidence, the clinical significance of this variant remains unclear.